The following is an entry in ClinVar:

NM_001999.4(FBN2):c.477T>C (p.Cys159=)

Gene: FBN2 (fibrillin 2; minus strand). Cytogenetic location: 5q23.3.
Variant type: single nucleotide variant.
Coding change: c.477T>C on transcript NM_001999.4 (MANE Select); coding-DNA position 477, T replaced by C.
Protein change: p.Cys159=; no amino-acid change (cysteine 159 retained).
Molecular consequence: synonymous variant.
Genome position (GRCh38, 1-based): chr5:128,527,927, A>G on the plus strand (T>C on the coding strand, the complement: FBN2 is on the minus strand). VCF-style: chr5-128527927-A-G. GRCh37 (hg19) VCF-style: chr5-127863620-A-G.
Identifiers: ClinVar variation 388024 (VCV000388024.6), dbSNP rs138601900, ClinGen allele CA3396104.
Genomic context (GRCh38, chr5:128,527,927, plus strand): 5'-CTTACGTTGTCCACAATAAGTTCCAATATATCCTTTCTGGCACTGGCAGTGGTCATCTGC[A>G]CAGGTCCCACCATTCATGCATCTCACACTGCACTGCTGAACTGCAAAGAGCAATAACAAA-3'
Protein context (NP_001990.2, residues 149-169): CSVRCMNGGT[Cys159=]ADDHCQCQKG

ClinVar aggregate classification (germline): Benign/Likely benign. Review status: criteria provided, multiple submitters, no conflicts (2 of 4 stars). 3 submissions from 3 submitters: Benign (1); Likely benign (2). Last evaluated 2025-08-23.

Conditions:
Familial thoracic aortic aneurysm and aortic dissection (TAAD). Also called: Thoracic aortic aneurysms and dissections. Identifiers: Orphanet 91387, MedGen C4707243, MONDO:0019625.
Congenital contractural arachnodactyly (CCA). Also called: BEALS SYNDROME; Beals-Hecht syndrome; Arthrogryposis, distal, type 9. Identifiers: Orphanet 115, MedGen C0220668, MONDO:0007363, OMIM 121050.

Allele frequency attached by ClinVar (database versions not stated): gnomAD exomes below 0.00001; ExAC 0.00001; gnomAD 0.00001; TOPMed 0.00001; ESP Exome Variant Server 0.00015.
gnomAD v4.1: 9 of 1,612,784 alleles (0.00056%); highest among the groups gnomAD compares: Non-Finnish European, 0.00068%; no homozygotes.

Submissions (3):

Labcorp Genetics (formerly Invitae), Labcorp
Classification: Benign for Congenital contractural arachnodactyly. Last evaluated: 2025-08-23. Review status: criteria provided, single submitter. Criteria: Invitae Variant Classification Sherloc (09022015). Collection method: clinical testing. Allele origin: germline.

Ambry Genetics
Classification: Likely benign for Familial thoracic aortic aneurysm and aortic dissection. Last evaluated: 2018-10-17. Review status: criteria provided, single submitter. Criteria: Ambry Variant Classification Scheme 2023. Collection method: clinical testing. Allele origin: germline.

GeneDx
Classification: Likely benign. Last evaluated: 2016-07-21. Review status: criteria provided, single submitter. Criteria: GeneDx Variant Classification (06012015). Collection method: clinical testing. Allele origin: germline. Affected: yes.
Comment: This variant is considered likely benign or benign based on one or more of the following criteria: it is a conservative change, it occurs at a poorly conserved position in the protein, it is predicted to be benign by multiple in silico algorithms, and/or has population frequency not consistent with disease.